The following is an entry in ClinVar:

NM_000278.5(PAX2):c.713T>C (p.Leu238Pro)

Gene: PAX2 (paired box 2; plus strand). Cytogenetic location: 10q24.31.
Variant type: single nucleotide variant.
Coding change: c.713T>C on transcript NM_000278.5 (MANE Select); coding-DNA position 713, T replaced by C.
Protein change: p.Leu238Pro; replaces leucine 238 with proline.
Molecular consequence: missense variant.
Genome position (GRCh38, 1-based): chr10:100,806,526, T>C. VCF-style: chr10-100806526-T-C. GRCh37 (hg19) VCF-style: chr10-102566283-T-C.
Other names: c.806T>C, p.Leu269Pro (NM_001304569.2); c.782T>C, p.Leu261Pro (NM_003987.5, NM_003990.5); c.713T>C, p.Leu238Pro (NM_003988.5, NM_003989.5); short protein forms L269P, L261P, L238P.
Identifiers: ClinVar variation 4791901 (VCV004791901.1).
Genomic context (GRCh38, chr10:100,806,526, plus strand): 5'-AGAGTGGTGTGGACAGTTTGCGGAAGCACTTGCGAGCTGACACCTTCACCCAGCAGCAGC[T>C]GGAAGCTTTGGATCGGGTCTTTGAGCGTCCTTCCTACCCTGACGTCTTCCAGGCATCAGA-3'
Protein context (NP_000269.3, residues 228-248): LRADTFTQQQ[Leu238Pro]EALDRVFERP

ClinVar aggregate classification (germline): Uncertain significance (1 of 4 stars; one submission).

Conditions:
Focal segmental glomerulosclerosis 7 (FSGS7). Identifiers: Orphanet 656, MedGen C4014925, MONDO:0014451, OMIM 616002.
Renal coloboma syndrome (PAPRS). Also called: PAPILLORENAL SYNDROME; COLOBOMA OF OPTIC NERVE WITH RENAL DISEASE; OPTIC COLOBOMA, VESICOURETERAL REFLUX, AND RENAL ANOMALIES; OPTIC NERVE COLOBOMA WITH RENAL DISEASE; RENAL-COLOBOMA SYNDROME WITH MACULAR ABNORMALITIES; PAPILLORENAL SYNDROME WITH MILD OCULAR ABNORMALITIES. Identifiers: Orphanet 1475, MedGen C1852759, MONDO:0007352, OMIM 120330.

gnomAD v4.1: 2 of 1,614,232 alleles (0.00012%); highest among the groups gnomAD compares: Admixed American, 0.0033%; no homozygotes.

Submission:

Labcorp Genetics (formerly Invitae), Labcorp
Classification: Uncertain significance for Renal coloboma syndrome; Focal segmental glomerulosclerosis 7. Last evaluated: 2025-12-11. Review status: criteria provided, single submitter. Criteria: Invitae Variant Classification Sherloc (09022015). Collection method: clinical testing. Allele origin: germline.
Comment: This sequence change replaces leucine, which is neutral and non-polar, with proline, which is neutral and non-polar, at codon 238 of the PAX2 protein (p.Leu238Pro). This variant is present in population databases (no rsID available, gnomAD 0.003%). This variant has not been reported in the literature in individuals affected with PAX2-related conditions. Experimental studies and prediction algorithms are not available or were not evaluated, and the functional significance of this variant is currently unknown. In summary, the available evidence is currently insufficient to determine the role of this variant in disease. Therefore, it has been classified as a Variant of Uncertain Significance.